The following is an entry in ClinVar:

ClinVar aggregate classification (germline): Likely pathogenic (1 of 4 stars; one submission).

Conditions:
Inborn genetic diseases. Identifiers: MedGen C0950123, MeSH D030342.

Submission:

Ambry Genetics
Classification: Likely pathogenic for Inborn genetic diseases. Last evaluated: 2025-09-26. Review status: criteria provided, single submitter. Criteria: Ambry Variant Classification Scheme 2023. Collection method: clinical testing. Allele origin: germline.
Comment: The c.211+2T>C intronic variant results from a T to C substitution two nucleotides after coding exon 1 of the SATB1 gene. Alterations that disrupt the canonical splice site are expected to cause aberrant splicing. The resulting transcript is predicted to impact the first coding exon, containing the initiation codon (ATG). Sequence variations that remove the initiation codon are expected to result in loss of translation initiation. As such, this alteration may lead to loss of normal protein expression and/or be prone to rescue by reinitiation (Rivas, 2015; Lindeboom, 2016; Rhee, 2017). The exact functional effect of this alteration is unknown. This variant was not reported in population-based cohorts in the Genome Aggregation Database (gnomAD). This nucleotide position is highly conserved in available vertebrate species. In silico splice site analysis predicts that this alteration will weaken the native splice donor site. Based on the available evidence, this alteration is classified as likely pathogenic.

Literature cited by the submitters: PubMed 25954003; PubMed 27618451; PubMed 28490743.

NM_002971.6(SATB1):c.211+2T>C

Gene: SATB1 (SATB homeobox 1; minus strand). Cytogenetic location: 3p24.3.
Variant type: single nucleotide variant.
Coding change: c.211+2T>C on transcript NM_002971.6 (MANE Select); the canonical splice donor site of the intron after coding-DNA position 211, T replaced by C.
Molecular consequence: splice donor variant. On other transcripts: intron variant (1).
Genome position (GRCh38, 1-based): chr3:18,420,755, A>G on the plus strand (T>C on the coding strand, the complement: SATB1 is on the minus strand). VCF-style: chr3-18420755-A-G. GRCh37 (hg19) VCF-style: chr3-18462247-A-G.
Other names: c.211+2T>C (NM_001322874.2, NM_001322872.2, NM_001322873.2 and 4 more transcripts); c.-5-3677T>C (NM_001322876.2).
Identifiers: ClinVar variation 4630208 (VCV004630208.1).